The following is an entry in ClinVar:

ClinVar aggregate classification (germline): Likely benign (1 of 4 stars; one submission).

Allele frequency attached by ClinVar (database versions not stated): TOPMed 0.01214; 1000 Genomes Project 0.01458; 1000 Genomes Project 30x 0.01718.
gnomAD v4.1: 1,596 of 152,278 alleles (1%); highest among the groups gnomAD compares: African/African-American, 3.7%; 29 homozygotes.

Submission:

GeneDx
Classification: Likely benign. Last evaluated: 2018-06-16. Review status: criteria provided, single submitter. Criteria: GeneDx Variant Classification (06012015). Collection method: clinical testing. Allele origin: germline. Affected: yes.
Comment: This variant is considered likely benign or benign based on one or more of the following criteria: it is a conservative change, it occurs at a poorly conserved position in the protein, it is predicted to be benign by multiple in silico algorithms, and/or has population frequency not consistent with disease.

NM_005045.4(RELN):c.8274+272T>C

Genes: RELN (reelin; minus strand), SLC26A5-AS1 (SLC26A5 antisense RNA 1; plus strand). Cytogenetic location: 7q22.1.
Variant type: single nucleotide variant.
Coding change: c.8274+272T>C on transcript NM_005045.4 (MANE Select); 272 bases into the intron after coding-DNA position 8274, T replaced by C.
Molecular consequence: intron variant.
Genome position (GRCh38, 1-based): chr7:103,510,579, A>G on the plus strand (T>C on the coding strand, the complement: RELN is on the minus strand). VCF-style: chr7-103510579-A-G. GRCh37 (hg19) VCF-style: chr7-103151026-A-G.
Other names: c.8274+272T>C (NM_173054.3).
Identifiers: ClinVar variation 673865 (VCV000673865.1), dbSNP rs146168362, ClinGen allele CA163917979.